The following is an entry in ClinVar:

ClinVar aggregate classification (germline): Likely benign (0 of 4 stars; one submission).

Conditions:
GLDN-related disorder. Also called: GLDN-related condition.

Allele frequency attached by ClinVar (database versions not stated): TOPMed 0.00004; gnomAD exomes 0.00021; gnomAD 0.00022; ExAC 0.00059; 1000 Genomes Project 30x 0.00203; 1000 Genomes Project 0.00220.
gnomAD v4.1: 344 of 1,613,962 alleles (0.021%); highest among the groups gnomAD compares: South Asian, 0.3%; 3 homozygotes.

Submission:

PreventionGenetics, part of Exact Sciences
Classification: Likely benign for GLDN-related condition. Last evaluated: 2023-11-16. Review status: no assertion criteria provided. Collection method: clinical testing. Allele origin: germline.
Comment: This variant is classified as likely benign based on ACMG/AMP sequence variant interpretation guidelines (Richards et al. 2015 PMID: 25741868, with internal and published modifications).

NM_181789.4(GLDN):c.376G>A (p.Val126Met)

Gene: GLDN (gliomedin; plus strand). Cytogenetic location: 15q21.2.
Variant type: single nucleotide variant.
Coding change: c.376G>A on transcript NM_181789.4 (MANE Select); coding-DNA position 376, G replaced by A.
Protein change: p.Val126Met; replaces valine 126 with methionine.
Molecular consequence: missense variant.
Genome position (GRCh38, 1-based): chr15:51,377,461, G>A. VCF-style: chr15-51377461-G-A. GRCh37 (hg19) VCF-style: chr15-51669658-G-A.
Other names: c.4G>A, p.Val2Met (NM_001330297.2); short protein forms V126M, V2M.
Identifiers: ClinVar variation 3049264 (VCV003049264.2), dbSNP rs533812739, ClinGen allele CA7560313.
Genomic context (GRCh38, chr15:51,377,461, plus strand): 5'-AGGGCCTGCTGCCCACTGTCTGCTCTGATGACCCTCTCTCCCCTGCAGATCCGAGTGATG[G>A]TGGACCTGTGCAACAGCACCAAGGGCATCTGCCTCACAGGTAGGCTGGCCGCTGAGCAGA-3'
Protein context (NP_861454.2, residues 116-136): TYSMVPIRVM[Val126Met]DLCNSTKGIC